The following is an entry in ClinVar:

NM_007294.4(BRCA1):c.5412C>A (p.Val1804=)

Gene: BRCA1 (BRCA1 DNA repair associated; minus strand). Cytogenetic location: 17q21.31.
Variant type: single nucleotide variant.
Coding change: c.5412C>A on transcript NM_007294.4 (MANE Select); coding-DNA position 5412, C replaced by A.
Protein change: p.Val1804=; no amino-acid change (valine 1804 retained).
Molecular consequence: synonymous variant. On other transcripts: missense variant (17).
Genome position (GRCh38, 1-based): chr17:43,047,698, G>T on the plus strand (C>A on the coding strand, the complement: BRCA1 is on the minus strand). VCF-style: chr17-43047698-G-T. GRCh37 (hg19) VCF-style: chr17-41199715-G-T.
Other names: c.1977C>A, p.Val659= (NM_001408441.1, NM_001408442.1, NM_001408443.1 and 10 more transcripts); c.1974C>A, p.Val658= (NM_001408445.1, NM_001408446.1, NM_001408447.1 and 2 more transcripts); c.1968C>A, p.Val656= (NM_001408451.1); c.1962C>A, p.Val654= (NM_001408452.1, NM_001408453.1, NM_001408454.1 and 3 more transcripts); c.1959C>A, p.Val653= (NM_001408458.1, NM_001408459.1, NM_001408460.1 and 7 more transcripts); c.1956C>A, p.Val652= (NM_001408468.1, NM_001408469.1, NM_001408470.1); c.2026C>A, p.Pro676Thr (NM_001408472.1, NM_007299.4); c.2023C>A, p.Pro675Thr (NM_001408473.1); and 83 more; short protein forms P676T, P1732T, P1779T, P1780T, P675T, P1733T, P1737T, P1738T.
Identifiers: ClinVar variation 865472 (VCV000865472.3), dbSNP rs730881456, ClinGen allele CA10590640.

Conditions:
Breast-ovarian cancer, familial, susceptibility to, 1 (BROVCA1). Also called: BRCA1 Hereditary Breast and Ovarian Cancer; OVARIAN CANCER, SUSCEPTIBILITY TO. Identifiers: Orphanet 145, MedGen C2676676, MONDO:0011450, OMIM 604370. Disease mechanism: loss of function.

Submission:

Brotman Baty Institute, University of Washington
No classification provided (evidence only). Condition: Breast-ovarian cancer, familial 1. Review status: no classification provided. Collection method: in vitro. Allele origin: not applicable. Functional consequence: functionally_normal.
ClinVar note: "not provided" was previously submitted as the classification for the variant. However, the classification appeared to be based only on an observation of functional data so it was converted to no classification on 2025-07-30.